The following is an entry in ClinVar:

NM_000093.5(COL5A1):c.2952T>C (p.Thr984=)

Gene: COL5A1 (collagen type V alpha 1 chain; plus strand). Cytogenetic location: 9q34.3.
Variant type: single nucleotide variant.
Coding change: c.2952T>C on transcript NM_000093.5 (MANE Select); coding-DNA position 2952, T replaced by C.
Protein change: p.Thr984=; no amino-acid change (threonine 984 retained).
Molecular consequence: synonymous variant.
Genome position (GRCh38, 1-based): chr9:134,798,461, T>C. VCF-style: chr9-134798461-T-C. GRCh37 (hg19) VCF-style: chr9-137690307-T-C.
Other names: c.2952T>C, p.Thr984= (NM_001278074.1).
Identifiers: ClinVar variation 1919431 (VCV001919431.5), dbSNP rs2490774139, ClinGen allele CA467666277.

ClinVar aggregate classification (germline): Uncertain significance (1 of 4 stars; one submission).

Conditions:
Ehlers-Danlos syndrome, classic type, 1 (EDSCL1). Also called: Ehlers-Danlos syndrome, type 1; Ehlers-Danlos Syndrome, Classic Type, COL5A1-Related; EDS I; EHLERS-DANLOS SYNDROME, GRAVIS TYPE; EHLERS-DANLOS SYNDROME, SEVERE CLASSIC TYPE. Identifiers: MedGen C0268335, MONDO:0019567, OMIM 130000.

Submission:

Labcorp Genetics (formerly Invitae), Labcorp
Classification: Uncertain significance for Ehlers-Danlos syndrome, classic type, 1. Last evaluated: 2024-04-23. Review status: criteria provided, single submitter. Criteria: Invitae Variant Classification Sherloc (09022015). Collection method: clinical testing. Allele origin: germline.
Comment: This sequence change affects codon 984 of the COL5A1 mRNA. It is a 'silent' change, meaning that it does not change the encoded amino acid sequence of the COL5A1 protein. It affects a nucleotide within the consensus splice site. This variant is not present in population databases (gnomAD no frequency). This variant has not been reported in the literature in individuals affected with COL5A1-related conditions. ClinVar contains an entry for this variant (Variation ID: 1919431). Algorithms developed to predict the effect of sequence changes on RNA splicing suggest that this variant is not likely to affect RNA splicing. In summary, the available evidence is currently insufficient to determine the role of this variant in disease. Therefore, it has been classified as a Variant of Uncertain Significance.